The following is an entry in ClinVar:

ClinVar aggregate classification (germline): Pathogenic (1 of 4 stars; one submission).

Submission:

Ambry Genetics
Classification: Pathogenic. Last evaluated: 2026-07-17. Review status: criteria provided, single submitter. Criteria: Ambry Variant Classification Scheme 2023. Collection method: clinical testing. Allele origin: germline.
Comment: The c.3371_3372delAA (p.K1124Rfs*3) alteration, located in exon 10 (coding exon 7) of the RREB1 gene, consists of a deletion of 2 nucleotides from position 3371 to 3372, causing a translational frameshift with a predicted alternate stop codon after 3 amino acids. This variant is expected to result in loss of function by premature protein truncation or nonsense-mediated mRNA decay. This variant was not reported in population-based cohorts in the Genome Aggregation Database (gnomAD). Based on the available evidence, this alteration is classified as pathogenic.

NM_001003699.4(RREB1):c.3371_3372del (p.Lys1124fs)

Gene: RREB1 (ras responsive element binding protein 1; plus strand). Cytogenetic location: 6p24.3.
Variant type: Deletion.
Coding change: c.3371_3372del on transcript NM_001003699.4 (MANE Select); coding-DNA positions 3371 to 3372, 2 bases deleted (AA; older notation c.3371_3372delAA).
Protein change: p.Lys1124fs; shifts the reading frame from lysine 1124.
Molecular consequence: frameshift variant.
Genome position (GRCh38, 1-based): chr6:7,231,470-7,231,471, AA deleted; deleting any 2 consecutive bases within chr6:7,231,468-7,231,471 gives the same sequence; the c. name uses the placement nearest the transcript's 3' end. VCF-style (leftmost placement, unchanged base first): chr6-7231467-CAA-C. GRCh37 (hg19) VCF-style: chr6-7231700-CAA-C.
Other names: c.3371_3372del, p.Lys1124fs (NM_001003698.4, NM_001003700.2, NM_001168344.2); short protein forms K1124fs.
Identifiers: ClinVar variation 5028441 (VCV005028441.1).